The following is an entry in ClinVar:

NM_020937.4(FANCM):c.2348C>G (p.Ser783Cys)

Gene: FANCM (FA complementation group M; plus strand). Cytogenetic location: 14q21.2.
Variant type: single nucleotide variant.
Coding change: c.2348C>G on transcript NM_020937.4 (MANE Select); coding-DNA position 2348, C replaced by G.
Protein change: p.Ser783Cys; replaces serine 783 with cysteine.
Molecular consequence: missense variant.
Genome position (GRCh38, 1-based): chr14:45,175,102, C>G. VCF-style: chr14-45175102-C-G. GRCh37 (hg19) VCF-style: chr14-45644305-C-G.
Other names: c.2270C>G, p.Ser757Cys (NM_001308133.2); short protein forms S757C, S783C.
Identifiers: ClinVar variation 5036622 (VCV005036622.1).

ClinVar aggregate classification (germline): Uncertain significance (1 of 4 stars; one submission).

Conditions:
Inborn genetic diseases. Identifiers: MedGen C0950123, MeSH D030342.

Submission:

Ambry Genetics
Classification: Uncertain significance for Inborn genetic diseases. Last evaluated: 2026-07-18. Review status: criteria provided, single submitter. Criteria: Ambry Variant Classification Scheme 2023. Collection method: clinical testing. Allele origin: germline.
Comment: The p.S783C variant (also known as c.2348C>G), located in coding exon 14 of the FANCM gene, results from a C to G substitution at nucleotide position 2348. The serine at codon 783 is replaced by cysteine, an amino acid with dissimilar properties. This amino acid position is conserved. In addition, this alteration is predicted to be tolerated by in silico analysis. Based on the available evidence, the clinical significance of this variant remains unclear.